The following is an entry in ClinVar:

ClinVar aggregate classification (germline): Likely pathogenic (1 of 4 stars; one submission).

Conditions:
Joubert syndrome 26 (JBTS26). Identifiers: Orphanet 475, MedGen C4084843, MONDO:0014771, OMIM 616784.

Allele frequency attached by ClinVar (database versions not stated): gnomAD exomes below 0.00001.

Submission:

Department of Paediatric Medicine, Post Graduation Institute of Medical Education and Research
Classification: Likely pathogenic for Joubert syndrome 26. Last evaluated: 2023-03-01. Review status: criteria provided, single submitter. Criteria: ACMG Guidelines, 2015. Collection method: clinical testing. Allele origin: inherited. Inheritance: Autosomal recessive inheritance. Affected: no. Observed: 1 variant allele, 1 heterozygote.
Comment: PVS1, PM2

NM_015202.5(KATNIP):c.274_275del (p.Phe92fs)

Gene: KATNIP (katanin interacting protein; plus strand). Cytogenetic location: 16p12.1.
Variant type: Deletion.
Coding change: c.274_275del on transcript NM_015202.5 (MANE Select); coding-DNA positions 274 to 275, 2 bases deleted (TT; older notation c.274_275delTT).
Protein change: p.Phe92fs; shifts the reading frame from phenylalanine 92.
Molecular consequence: frameshift variant.
Genome position (GRCh38, 1-based): chr16:27,628,794-27,628,795, TT deleted. VCF-style (leftmost placement, unchanged base first): chr16-27628793-CTT-C. GRCh37 (hg19) VCF-style: chr16-27640114-CTT-C.
Other names: short protein forms F92fs.
Identifiers: ClinVar variation 2431062 (VCV002431062.2), dbSNP rs1254671898, ClinGen allele CA621686897.